The following is an entry in ClinVar:

NM_002354.3(EPCAM):c.415G>C (p.Val139Leu)

Gene: EPCAM (epithelial cell adhesion molecule; plus strand). Cytogenetic location: 2p21.
Variant type: single nucleotide variant.
Coding change: c.415G>C on transcript NM_002354.3 (MANE Select); coding-DNA position 415, G replaced by C.
Protein change: p.Val139Leu; replaces valine 139 with leucine.
Molecular consequence: missense variant.
Genome position (GRCh38, 1-based): chr2:47,374,038, G>C. VCF-style: chr2-47374038-G-C. GRCh37 (hg19) VCF-style: chr2-47601177-G-C.
Other names: short protein forms V139L.
Identifiers: ClinVar variation 4018557 (VCV004018557.1).

ClinVar aggregate classification (germline): Uncertain significance (1 of 4 stars; one submission).

Conditions:
Hereditary cancer-predisposing syndrome. Also called: Tumor predisposition; Hereditary neoplastic syndrome; Neoplastic Syndromes, Hereditary; Hereditary Cancer Syndrome. Identifiers: Orphanet 140162, MedGen C0027672, MeSH D009386, MONDO:0015356.

Submission:

Ambry Genetics
Classification: Uncertain significance for Hereditary cancer-predisposing syndrome. Last evaluated: 2025-05-31. Review status: criteria provided, single submitter. Criteria: Ambry Variant Classification Scheme 2023. Collection method: clinical testing. Allele origin: germline.
Comment: The p.V139L variant (also known as c.415G>C), located in coding exon 3 of the EPCAM gene, results from a G to C substitution at nucleotide position 415. The valine at codon 139 is replaced by leucine, an amino acid with highly similar properties. This amino acid position is conserved. In addition, the in silico prediction for this alteration is inconclusive. Based on the available evidence, the clinical significance of this variant remains unclear.